The following is an entry in ClinVar:

NM_016111.4(TELO2):c.1204G>A (p.Val402Met)

Gene: TELO2 (telomere maintenance 2; plus strand). Cytogenetic location: 16p13.3.
Variant type: single nucleotide variant.
Coding change: c.1204G>A on transcript NM_016111.4 (MANE Select); coding-DNA position 1204, G replaced by A.
Protein change: p.Val402Met; replaces valine 402 with methionine.
Molecular consequence: missense variant.
Genome position (GRCh38, 1-based): chr16:1,500,622, G>A. VCF-style: chr16-1500622-G-A. GRCh37 (hg19) VCF-style: chr16-1550623-G-A.
Other names: c.1204G>A, p.Val402Met (NM_001351846.2); short protein forms V402M.
Identifiers: ClinVar variation 1334860 (VCV001334860.7), dbSNP rs146959869, ClinGen allele CA7811998.

ClinVar aggregate classification (germline): Uncertain significance. Review status: criteria provided, multiple submitters, no conflicts (2 of 4 stars). 3 submissions from 3 submitters: Uncertain significance (3). Last evaluated 2025-01-30.

Conditions:
Inborn genetic diseases. Identifiers: MedGen C0950123, MeSH D030342.

Allele frequency attached by ClinVar (database versions not stated): gnomAD exomes 0.00003 and 0.00008; ExAC 0.00011; 1000 Genomes Project 30x 0.00031; ESP Exome Variant Server 0.00031; gnomAD 0.00032 and 0.00034; 1000 Genomes Project 0.00040; TOPMed 0.00040.
gnomAD v4.1: 106 of 1,612,392 alleles (0.0066%); highest among the groups gnomAD compares: African/African-American, 0.1%; no homozygotes.

Submissions (3):

Labcorp Genetics (formerly Invitae), Labcorp
Classification: Uncertain significance. Last evaluated: 2025-01-30. Review status: criteria provided, single submitter. Criteria: Invitae Variant Classification Sherloc (09022015). Collection method: clinical testing. Allele origin: germline.
Comment: This sequence change replaces valine, which is neutral and non-polar, with methionine, which is neutral and non-polar, at codon 402 of the TELO2 protein (p.Val402Met). This variant is present in population databases (rs146959869, gnomAD 0.1%). This variant has not been reported in the literature in individuals affected with TELO2-related conditions. ClinVar contains an entry for this variant (Variation ID: 1334860). Invitae Evidence Modeling of protein sequence and biophysical properties (such as structural, functional, and spatial information, amino acid conservation, physicochemical variation, residue mobility, and thermodynamic stability) has been performed for this missense variant. However, the output from this modeling did not meet the statistical confidence thresholds required to predict the impact of this variant on TELO2 protein function. In summary, the available evidence is currently insufficient to determine the role of this variant in disease. Therefore, it has been classified as a Variant of Uncertain Significance.

Ambry Genetics
Classification: Uncertain significance for Inborn genetic diseases. Last evaluated: 2024-05-16. Review status: criteria provided, single submitter. Criteria: Ambry Variant Classification Scheme 2023. Collection method: clinical testing. Allele origin: germline.

Genetic Services Laboratory, University of Chicago
Classification: Uncertain significance. Last evaluated: 2018-07-25. Review status: criteria provided, single submitter. Criteria: ACMG Guidelines, 2015. Collection method: clinical testing. Allele origin: germline. Affected: no.